The following is an entry in ClinVar:

NM_213599.3(ANO5):c.994A>G (p.Met332Val)

Gene: ANO5 (anoctamin 5; plus strand). Cytogenetic location: 11p14.3.
Variant type: single nucleotide variant.
Coding change: c.994A>G on transcript NM_213599.3 (MANE Select); coding-DNA position 994, A replaced by G.
Protein change: p.Met332Val; replaces methionine 332 with valine.
Molecular consequence: missense variant.
Genome position (GRCh38, 1-based): chr11:22,250,352, A>G. VCF-style: chr11-22250352-A-G. GRCh37 (hg19) VCF-style: chr11-22271898-A-G.
Other names: c.991A>G, p.Met331Val (NM_001142649.2); short protein forms M332V, M331V.
Identifiers: ClinVar variation 468848 (VCV000468848.45), dbSNP rs200553437, ClinGen allele CA5923087.

ClinVar aggregate classification (germline): Uncertain significance. Review status: criteria provided, multiple submitters, no conflicts (2 of 4 stars). 5 submissions from 5 submitters: Uncertain significance (5). Last evaluated 2025-12-31.

Conditions:
Gnathodiaphyseal dysplasia (GDD). Also called: OSTEOGENESIS IMPERFECTA WITH UNUSUAL SKELETAL LESIONS; GNATHODIAPHYSEAL SCLEROSIS. Identifiers: Orphanet 53697, MedGen C1833736, MONDO:0008151, OMIM 166260.
Autosomal recessive limb-girdle muscular dystrophy type 2L (LGMDR12). Also called: Limb-Girdle Muscular Dystrophy R12 Anoctamin-5-Related (LGMD-R12); Limb-girdle muscular dystrophy, type 2L; MUSCULAR DYSTROPHY, LIMB-GIRDLE, AUTOSOMAL RECESSIVE 12. Identifiers: Orphanet 206549, MedGen C1969785, MONDO:0012652, OMIM 611307.

Allele frequency attached by ClinVar (database versions not stated): ExAC 0.00002; gnomAD exomes 0.00002; gnomAD 0.00010 and 0.00012; TOPMed 0.00031; 1000 Genomes Project 0.00040; 1000 Genomes Project 30x 0.00047.
gnomAD v4.1: 47 of 1,613,534 alleles (0.0029%); highest among the groups gnomAD compares: Admixed American, 0.033%; no homozygotes.

Submissions (5):

Labcorp Genetics (formerly Invitae), Labcorp
Classification: Uncertain significance for Autosomal recessive limb-girdle muscular dystrophy type 2L; Gnathodiaphyseal dysplasia. Last evaluated: 2025-12-31. Review status: criteria provided, single submitter. Criteria: Invitae Variant Classification Sherloc (09022015). Collection method: clinical testing. Allele origin: germline.
Comment: This sequence change replaces methionine, which is neutral and non-polar, with valine, which is neutral and non-polar, at codon 332 of the ANO5 protein (p.Met332Val). This variant is present in population databases (rs200553437, gnomAD 0.003%). This variant has not been reported in the literature in individuals affected with ANO5-related conditions. ClinVar contains an entry for this variant (Variation ID: 468848). Invitae Evidence Modeling of protein sequence and biophysical properties (such as structural, functional, and spatial information, amino acid conservation, physicochemical variation, residue mobility, and thermodynamic stability) has been performed for this missense variant. However, the output from this modeling did not meet the statistical confidence thresholds required to predict the impact of this variant on ANO5 protein function. In summary, the available evidence is currently insufficient to determine the role of this variant in disease. Therefore, it has been classified as a Variant of Uncertain Significance.

Revvity Omics, Revvity
Classification: Uncertain significance. Last evaluated: 2022-11-09. Review status: criteria provided, single submitter. Criteria: ACMG Guidelines, 2015. Collection method: clinical testing. Allele origin: germline.

CeGaT Center for Human Genetics Tuebingen
Classification: Uncertain significance. Last evaluated: 2022-05-01. Review status: criteria provided, single submitter. Criteria: CeGaT Center For Human Genetics Tuebingen Variant Classification Criteria Version 2. Collection method: clinical testing. Allele origin: germline. Affected: yes. Observed: 1 variant allele.
Comment: ANO5: PM2, BP4

Athena Diagnostics
Classification: Uncertain significance. Last evaluated: 2019-07-30. Review status: criteria provided, single submitter. Criteria: Athena Diagnostics Criteria. Collection method: clinical testing. Allele origin: germline.

Eurofins Ntd Llc (ga)
Classification: Uncertain significance. Last evaluated: 2018-03-16. Review status: criteria provided, single submitter. Criteria: EGL ClinVar v180209 classification definitions. Collection method: clinical testing. Allele origin: germline. Observed: 2 variant alleles, 2 heterozygotes.